The following is an entry in ClinVar:

NM_000051.4(ATM):c.1235+1G>A

Gene: ATM (ATM serine/threonine kinase; plus strand). Cytogenetic location: 11q22.3.
Variant type: single nucleotide variant.
Coding change: c.1235+1G>A on transcript NM_000051.4 (MANE Select); the canonical splice donor site of the intron after coding-DNA position 1235, G replaced by A.
Molecular consequence: splice donor variant.
Genome position (GRCh38, 1-based): chr11:108,249,103, G>A. VCF-style: chr11-108249103-G-A. GRCh37 (hg19) VCF-style: chr11-108119830-G-A.
Other names: c.1235+1G>A (NM_001351834.2).
Identifiers: ClinVar variation 553402 (VCV000553402.16), dbSNP rs1555069881, ClinGen allele CA382532667.

ClinVar aggregate classification (germline): Likely pathogenic. Review status: criteria provided, multiple submitters, no conflicts (2 of 4 stars). 5 submissions from 5 submitters: Likely pathogenic (4). 1 of the submissions does not count toward it. Last evaluated 2025-10-06.

Conditions:
Ataxia-telangiectasia syndrome (AT). Also called: Ataxia-telangiectasia, complementation group D; AT, COMPLEMENTATION GROUP C; Ataxia-telangiectasia, complementation group E; LOUIS-BAR SYNDROME; Cerebello-oculocutaneous telangiectasia; Immunodeficiency with ataxia telangiectasia. Identifiers: Orphanet 100, MedGen C0004135, MONDO:0008840, OMIM 208900.
Familial cancer of breast. Also called: hereditary breast carcinoma; BREAST CANCER, FAMILIAL; Hereditary breast cancer. Identifiers: Orphanet 227535, MedGen C0346153, MONDO:0016419, OMIM 114480. Disease mechanism: loss of function.

Submissions (5):

Women's Health and Genetics/Laboratory Corporation of America, LabCorp
Classification: Likely pathogenic for Ataxia-telangiectasia syndrome. Last evaluated: 2025-10-06. Review status: criteria provided, single submitter. Criteria: LabCorp Variant Classification Summary - May 2015. Collection method: clinical testing. Allele origin: germline.
Comment: Variant summary: ATM c.1235+1G>A is located in a canonical splice-site and is predicted to affect mRNA splicing resulting in a significantly altered protein due to either exon skipping, shortening, or inclusion of intronic material. Variants that disrupt the consensus splice site are a relatively common cause of aberrant splicing and loss of ATM function. Several computational tools predict a significant impact on normal splicing: Two predict the variant abolishes a 5' splicing donor site. One predict the variant strengthens a cryptic 3' acceptor site. However, these predictions have yet to be confirmed by functional studies. The variant was absent in 251026 control chromosomes. c.1235+1G>A has been observed in individual(s) affected with primary immunodeficiency (Platt_2021). These report(s) do not provide unequivocal conclusions about association of the variant with Ataxia-telangiectasia syndrome. To our knowledge, no experimental evidence demonstrating an impact on protein function has been reported. The following publication have been ascertained in the context of this evaluation (PMID: 32888943). ClinVar contains an entry for this variant (Variation ID: 553402). Based on the evidence outlined above, the variant was classified as likely pathogenic.

Labcorp Genetics (formerly Invitae), Labcorp
Classification: Likely pathogenic for Ataxia-telangiectasia syndrome. Last evaluated: 2024-07-10. Review status: criteria provided, single submitter. Criteria: Invitae Variant Classification Sherloc (09022015). Collection method: clinical testing. Allele origin: germline.
Comment: This sequence change affects a donor splice site in intron 9 of the ATM gene. It is expected to disrupt RNA splicing. Variants that disrupt the donor or acceptor splice site typically lead to a loss of protein function (PMID: 16199547), and loss-of-function variants in ATM are known to be pathogenic (PMID: 23807571, 25614872). This variant is not present in population databases (gnomAD no frequency). Disruption of this splice site has been observed in individual(s) with suspected primary immunodeficiency (PMID: 32888943). ClinVar contains an entry for this variant (Variation ID: 553402). Algorithms developed to predict the effect of sequence changes on RNA splicing suggest that this variant may disrupt the consensus splice site. In summary, the currently available evidence indicates that the variant is pathogenic, but additional data are needed to prove that conclusively. Therefore, this variant has been classified as Likely Pathogenic.

Myriad Genetics, Inc.
Classification: Likely pathogenic for Familial cancer of breast. Last evaluated: 2024-01-12. Review status: criteria provided, single submitter. Criteria: Myriad Autosomal Dominant, Autosomal Recessive and X-Linked Classification Criteria (2023). Collection method: clinical testing. Allele origin: unknown.
Comment: This variant is considered likely pathogenic. This variant occurs within a consensus splice junction and is predicted to result in abnormal mRNA splicing of either an out-of-frame exon or an in-frame exon necessary for protein stability and/or normal function.

Baylor Genetics
Classification: Likely pathogenic for Familial cancer of breast. Last evaluated: 2023-03-24. Review status: criteria provided, single submitter. Criteria: ACMG Guidelines, 2015. Collection method: clinical testing. Allele origin: unknown.

Counsyl
Classification: Likely pathogenic for Ataxia-telangiectasia syndrome. Last evaluated: 2017-08-18. Review status: no assertion criteria provided. Collection method: clinical testing. Allele origin: unknown. Not counted in ClinVar's aggregate classification.

Literature cited by the submitters: PubMed 32888943 (cited by Women's Health and Genetics/Laboratory Corporation of America, LabCorp and Labcorp Genetics (formerly Invitae), Labcorp); PubMed 16199547 (cited by Labcorp Genetics (formerly Invitae), Labcorp); PubMed 23807571 (cited by Labcorp Genetics (formerly Invitae), Labcorp); PubMed 25614872 (cited by Labcorp Genetics (formerly Invitae), Labcorp).